The following is an entry in ClinVar:

NM_002769.5(PRSS1):c.86A>C (p.Asn29Thr)

Genes: TRB (T cell receptor beta locus; plus strand), PRSS1 (serine protease 1; plus strand). Cytogenetic location: 7q34.
Variant type: single nucleotide variant.
Coding change: c.86A>C on transcript NM_002769.5 (MANE Select); coding-DNA position 86, A replaced by C.
Protein change: p.Asn29Thr; replaces asparagine 29 with threonine.
Molecular consequence: missense variant.
Genome position (GRCh38, 1-based): chr7:142,750,600, A>C. VCF-style: chr7-142750600-A-C. GRCh37 (hg19) VCF-style: chr7-142458451-A-C.
Other names: short protein forms N29T.
Identifiers: ClinVar variation 38366 (VCV000038366.7), dbSNP rs111033566, ClinGen allele CA343001.

ClinVar aggregate classification (germline): Pathogenic. Review status: criteria provided, multiple submitters, no conflicts (2 of 4 stars). 2 submissions from 2 submitters: Pathogenic (2). Last evaluated 2023-04-27.

Conditions:
Hereditary pancreatitis (PCTT). Also called: PRSS1-Related Hereditary Pancreatitis; Hereditary chronic pancreatitis. Identifiers: Orphanet 676, MedGen C0238339, MONDO:0008185, OMIM 167800.

Allele frequency attached by ClinVar (database versions not stated): gnomAD 0.00153; 1000 Genomes Project 30x 0.11181.

Submissions (2):

Women's Health and Genetics/Laboratory Corporation of America, LabCorp
Classification: Pathogenic for Hereditary pancreatitis. Last evaluated: 2023-04-27. Review status: criteria provided, single submitter. Criteria: LabCorp Variant Classification Summary - May 2015. Collection method: clinical testing. Allele origin: germline.
Comment: Variant summary: PRSS1 c.86A>C (p.Asn29Thr) results in a non-conservative amino acid change located in the Serine proteases, trypsin domain (IPR001254) of the encoded protein sequence. Four of five in-silico tools predict a benign effect of the variant on protein function. The variant was absent in 155926 control chromosomes (gnomAD). c.86A>C has been reported in the literature in multiple individuals affected with Chronic Pancreatitis and co-segregated with the disease (Pfutzer_2002, Szmola_2010, Dytz_2015, Xiao_2017). Additionally, in one family, 8 out of 10 individuals carrying this variant developed pancreatitis and penetrance of this variant in this family was 80%, which is the same penetrance rate as the most frequently described R122H and N29I mutations (Dytz_2015). These data indicate that the variant is very likely to be associated with disease. Functional studies report this variant results in a gain-of-function that leads to an increased rate of autoactivation and increased trypsin stability (Sahin-Toth_2000, Szabo_2012). In addition, another missense at the same codon, N29I, has been classified as pathogenic in our lab, suggesting that it is a clinically significant residue. One ClinVar submitter (evaluation after 2014) cites this variant as pathogenic. Based on the evidence outlined above, the variant was classified as pathogenic.

Mendelics
Classification: Pathogenic for Hereditary pancreatitis. Last evaluated: 2023-03-30. Review status: criteria provided, single submitter. Criteria: Mendelics Assertion Criteria 2017. Collection method: clinical testing. Allele origin: unknown.

Literature cited by the submitters: PubMed 20452997 (cited by Women's Health and Genetics/Laboratory Corporation of America, LabCorp); PubMed 19191323 (cited by Women's Health and Genetics/Laboratory Corporation of America, LabCorp); PubMed 11788572 (cited by Women's Health and Genetics/Laboratory Corporation of America, LabCorp); PubMed 22539344 (cited by Women's Health and Genetics/Laboratory Corporation of America, LabCorp); PubMed 29173301 (cited by Women's Health and Genetics/Laboratory Corporation of America, LabCorp); PubMed 26376395 (cited by Women's Health and Genetics/Laboratory Corporation of America, LabCorp); PubMed 10801865 (cited by Women's Health and Genetics/Laboratory Corporation of America, LabCorp); PubMed 30018304 (cited by Women's Health and Genetics/Laboratory Corporation of America, LabCorp).